The following is an entry in ClinVar:

ClinVar aggregate classification (germline): Pathogenic (1 of 4 stars; one submission).

Conditions:
Werner syndrome (WRN). Identifiers: Orphanet 902, MedGen C0043119, MONDO:0010196, OMIM 277700.

Allele frequency attached by ClinVar (database versions not stated): gnomAD exomes below 0.00001.

Submission:

Labcorp Genetics (formerly Invitae), Labcorp
Classification: Pathogenic for Werner syndrome. Last evaluated: 2022-04-07. Review status: criteria provided, single submitter. Criteria: Invitae Variant Classification Sherloc (09022015). Collection method: clinical testing. Allele origin: germline.
Comment: This variant has not been reported in the literature in individuals affected with WRN-related conditions. This variant is not present in population databases (gnomAD no frequency). This sequence change creates a premature translational stop signal (p.Gln407*) in the WRN gene. It is expected to result in an absent or disrupted protein product. Loss-of-function variants in WRN are known to be pathogenic (PMID: 16673358). For these reasons, this variant has been classified as Pathogenic.

Literature cited by the submitters: PubMed 16673358.

NM_000553.6(WRN):c.1219C>T (p.Gln407Ter)

Gene: WRN (WRN RecQ like helicase; plus strand). Cytogenetic location: 8p12.
Variant type: single nucleotide variant.
Coding change: c.1219C>T on transcript NM_000553.6 (MANE Select); coding-DNA position 1219, C replaced by T.
Protein change: p.Gln407Ter; replaces glutamine 407 with a stop codon.
Molecular consequence: nonsense.
Genome position (GRCh38, 1-based): chr8:31,081,246, C>T. VCF-style: chr8-31081246-C-T. GRCh37 (hg19) VCF-style: chr8-30938762-C-T.
Other names: short protein forms Q407*.
Identifiers: ClinVar variation 2122586 (VCV002122586.4), dbSNP rs2535911452, ClinGen allele CA370921326.